The following is an entry in ClinVar:

NM_002860.4(ALDH18A1):c.2140G>A (p.Val714Ile)

Gene: ALDH18A1 (aldehyde dehydrogenase 18 family member A1; minus strand). Cytogenetic location: 10q24.1.
Variant type: single nucleotide variant.
Coding change: c.2140G>A on transcript NM_002860.4 (MANE Select); coding-DNA position 2140, G replaced by A.
Protein change: p.Val714Ile; replaces valine 714 with isoleucine.
Molecular consequence: missense variant.
Genome position (GRCh38, 1-based): chr10:95,610,263, C>T on the plus strand (G>A on the coding strand, the complement: ALDH18A1 is on the minus strand). VCF-style: chr10-95610263-C-T. GRCh37 (hg19) VCF-style: chr10-97370020-C-T.
Other names: c.2134G>A, p.Val712Ile (NM_001017423.2, NM_001323415.2); c.1807G>A, p.Val603Ile (NM_001323412.2, NM_001323416.2); c.2140G>A, p.Val714Ile (NM_001323413.2, NM_001323414.2); c.2035G>A, p.Val679Ile (NM_001323417.2); c.1801G>A, p.Val601Ile (NM_001323418.2); c.1504G>A, p.Val502Ile (NM_001323419.2); short protein forms V679I, V712I, V601I, V502I, V603I, V714I.
Identifiers: ClinVar variation 862391 (VCV000862391.11), dbSNP rs756291410, ClinGen allele CA5620127.

ClinVar aggregate classification (germline): Uncertain significance. Review status: criteria provided, multiple submitters, no conflicts (2 of 4 stars). 3 submissions from 3 submitters: Uncertain significance (3). Last evaluated 2025-12-08.

Conditions:
Inborn genetic diseases. Identifiers: MedGen C0950123, MeSH D030342.
Autosomal dominant spastic paraplegia type 9. Identifiers: MedGen C1832669, MONDO:0015091.
de Barsy syndrome. Also called: Cutis laxa-corneal clouding-oligophrenia syndrome. Identifiers: Orphanet 2962, MedGen C0268354, MONDO:0017569.
Cutis laxa, autosomal dominant 3 (ADCL3). Identifiers: Orphanet 90348, MedGen C4225268, MONDO:0014706, OMIM 616603.
Hereditary ataxia. Also called: Hereditary Ataxias. Identifiers: Orphanet 183518, MedGen C0004138, MONDO:0100309, MONDO:0000557.

Allele frequency attached by ClinVar (database versions not stated): gnomAD 0.00001; TOPMed 0.00001; ExAC 0.00002; gnomAD exomes 0.00002.
gnomAD v4.1: 36 of 1,614,020 alleles (0.0022%); highest among the groups gnomAD compares: East Asian, 0.018%; no homozygotes.

Submissions (3):

Labcorp Genetics (formerly Invitae), Labcorp
Classification: Uncertain significance for Autosomal dominant spastic paraplegia type 9; de Barsy syndrome; Cutis laxa, autosomal dominant 3. Last evaluated: 2025-12-08. Review status: criteria provided, single submitter. Criteria: Invitae Variant Classification Sherloc (09022015). Collection method: clinical testing. Allele origin: germline.
Comment: This sequence change replaces valine, which is neutral and non-polar, with isoleucine, which is neutral and non-polar, at codon 714 of the ALDH18A1 protein (p.Val714Ile). This variant is present in population databases (rs756291410, gnomAD 0.006%). This variant has not been reported in the literature in individuals affected with ALDH18A1-related conditions. ClinVar contains an entry for this variant (Variation ID: 862391). Invitae Evidence Modeling of protein sequence and biophysical properties (such as structural, functional, and spatial information, amino acid conservation, physicochemical variation, residue mobility, and thermodynamic stability) has been performed for this missense variant. However, the output from this modeling did not meet the statistical confidence thresholds required to predict the impact of this variant on ALDH18A1 protein function. In summary, the available evidence is currently insufficient to determine the role of this variant in disease. Therefore, it has been classified as a Variant of Uncertain Significance.

Ambry Genetics
Classification: Uncertain significance for Inborn genetic diseases. Last evaluated: 2023-02-28. Review status: criteria provided, single submitter. Criteria: Ambry Variant Classification Scheme 2023. Collection method: clinical testing. Allele origin: germline.

Cambridge Genomics Laboratory, East Genomic Laboratory Hub, NHS Genomic Medicine Service
Classification: Uncertain significance for Hereditary ataxia. Last evaluated: 2019-12-06. Review status: criteria provided, single submitter. Criteria: ACGS Best Practice Guidelines for Variant Classification in Rare Disease 2020. Collection method: clinical testing. Allele origin: germline. Affected: yes. Observed: 1 variant allele.